The following is an entry in ClinVar:

NM_006231.4(POLE):c.1981G>A (p.Ala661Thr)

Gene: POLE (DNA polymerase epsilon, catalytic subunit; minus strand). Cytogenetic location: 12q24.33.
Variant type: single nucleotide variant.
Coding change: c.1981G>A on transcript NM_006231.4 (MANE Select); coding-DNA position 1981, G replaced by A.
Protein change: p.Ala661Thr; replaces alanine 661 with threonine.
Molecular consequence: missense variant.
Genome position (GRCh38, 1-based): chr12:132,668,680, C>T on the plus strand (G>A on the coding strand, the complement: POLE is on the minus strand). VCF-style: chr12-132668680-C-T. GRCh37 (hg19) VCF-style: chr12-133245266-C-T.
Other names: short protein forms A661T.
Identifiers: ClinVar variation 3935721 (VCV003935721.1).

ClinVar aggregate classification (germline): Uncertain significance (1 of 4 stars; one submission).

Conditions:
Hereditary cancer-predisposing syndrome. Also called: Tumor predisposition; Hereditary neoplastic syndrome; Hereditary Cancer Syndrome; Neoplastic Syndromes, Hereditary. Identifiers: Orphanet 140162, MedGen C0027672, MeSH D009386, MONDO:0015356.

Submission:

Ambry Genetics
Classification: Uncertain significance for Hereditary cancer-predisposing syndrome. Last evaluated: 2025-04-07. Review status: criteria provided, single submitter. Criteria: Ambry Variant Classification Scheme 2023. Collection method: clinical testing. Allele origin: germline.
Comment: The p.A661T variant (also known as c.1981G>A), located in coding exon 18 of the POLE gene, results from a G to A substitution at nucleotide position 1981. The alanine at codon 661 is replaced by threonine, an amino acid with similar properties. This amino acid position is conserved. In addition, the in silico prediction for this alteration is inconclusive. Based on the available evidence, the clinical significance of this variant remains unclear.